The following is an entry in ClinVar:

ClinVar aggregate classification (germline): Uncertain significance (1 of 4 stars; one submission).

Conditions:
Inborn genetic diseases. Identifiers: MedGen C0950123, MeSH D030342.

Submission:

Ambry Genetics
Classification: Uncertain significance for Inborn genetic diseases. Last evaluated: 2026-04-10. Review status: criteria provided, single submitter. Criteria: Ambry Variant Classification Scheme 2023. Collection method: clinical testing. Allele origin: germline.
Comment: The p.C427R variant (also known as c.1279T>C), located in coding exon 12 of the DDX41 gene, results from a T to C substitution at nucleotide position 1279. The cysteine at codon 427 is replaced by arginine, an amino acid with highly dissimilar properties. This amino acid position is conserved. In addition, this alteration is predicted to be deleterious by in silico analysis. Based on the available evidence, the clinical significance of this variant remains unclear.

NM_016222.4(DDX41):c.1279T>C (p.Cys427Arg)

Gene: DDX41 (DEAD-box helicase 41; minus strand). Cytogenetic location: 5q35.3.
Variant type: single nucleotide variant.
Coding change: c.1279T>C on transcript NM_016222.4 (MANE Select); coding-DNA position 1279, T replaced by C.
Protein change: p.Cys427Arg; replaces cysteine 427 with arginine.
Molecular consequence: missense variant.
Genome position (GRCh38, 1-based): chr5:177,513,034, A>G on the plus strand (T>C on the coding strand, the complement: DDX41 is on the minus strand). VCF-style: chr5-177513034-A-G. GRCh37 (hg19) VCF-style: chr5-176940035-A-G.
Other names: c.901T>C, p.Cys301Arg (NM_001321732.2, NM_001321830.2); short protein forms C301R, C427R.
Identifiers: ClinVar variation 4841803 (VCV004841803.2).